The following is an entry in ClinVar:

NM_017763.6(RNF43):c.1388C>G (p.Ala463Gly)

Gene: RNF43 (ring finger protein 43; minus strand). Cytogenetic location: 17q22.
Variant type: single nucleotide variant.
Coding change: c.1388C>G on transcript NM_017763.6 (MANE Select); coding-DNA position 1388, C replaced by G.
Protein change: p.Ala463Gly; replaces alanine 463 with glycine.
Molecular consequence: missense variant.
Genome position (GRCh38, 1-based): chr17:58,358,388, G>C on the plus strand (C>G on the coding strand, the complement: RNF43 is on the minus strand). VCF-style: chr17-58358388-G-C. GRCh37 (hg19) VCF-style: chr17-56435749-G-C.
Other names: c.1388C>G, p.Ala463Gly (NM_001305544.3); c.1007C>G, p.Ala336Gly (NM_001305545.2); short protein forms A336G, A463G.
Identifiers: ClinVar variation 3946936 (VCV003946936.1).

ClinVar aggregate classification (germline): Uncertain significance (1 of 4 stars; one submission).

Submission:

Ambry Genetics
Classification: Uncertain significance. Last evaluated: 2025-06-08. Review status: criteria provided, single submitter. Criteria: Ambry Variant Classification Scheme 2023. Collection method: clinical testing. Allele origin: germline.
Comment: The p.A463G variant (also known as c.1388C>G), located in coding exon 8 of the RNF43 gene, results from a C to G substitution at nucleotide position 1388. The alanine at codon 463 is replaced by glycine, an amino acid with similar properties. This amino acid position is conserved. In addition, this alteration is predicted to be tolerated by in silico analysis. Based on the available evidence, the clinical significance of this variant remains unclear.